The following is an entry in ClinVar:

ClinVar aggregate classification (germline): Uncertain significance. Review status: criteria provided, multiple submitters, no conflicts (2 of 4 stars). 13 submissions from 13 submitters: Uncertain significance (10). 3 of the submissions do not count toward it. Last evaluated 2025-12-15.

Conditions:
ATM-related disorder. Also called: ATM-related disorders; ATM-related condition.
Hereditary cancer-predisposing syndrome. Also called: Neoplastic Syndromes, Hereditary; Hereditary neoplastic syndrome; Tumor predisposition; Hereditary Cancer Syndrome. Identifiers: Orphanet 140162, MedGen C0027672, MeSH D009386, MONDO:0015356.
Ataxia-telangiectasia syndrome (AT). Also called: Ataxia telangiectasia (A-T); Cerebello-oculocutaneous telangiectasia; Immunodeficiency with ataxia telangiectasia; LOUIS-BAR SYNDROME; AT, COMPLEMENTATION GROUP C; ATAXIA-TELANGIECTASIA, FRESNO VARIANT. Identifiers: Orphanet 100, MedGen C0004135, MONDO:0008840, OMIM 208900.
Hereditary breast ovarian cancer syndrome. Also called: BRCA1- and BRCA2-Associated Hereditary Breast and Ovarian Cancer; Hereditary breast and/or ovarian cancer syndrome; Hereditary breast and ovarian cancer syndrome (HBOC); Hereditary breast and ovarian cancer syndrome; Hereditary breast and ovarian cancer; Breast and ovarian cancer. Identifiers: Orphanet 145, MedGen C0677776, MeSH D061325, MONDO:0003582. Disease mechanism: loss of function.
Familial cancer of breast. Also called: hereditary breast carcinoma; Hereditary breast cancer; BREAST CANCER, FAMILIAL. Identifiers: Orphanet 227535, MedGen C0346153, MONDO:0016419, OMIM 114480. Disease mechanism: loss of function.

Allele frequency attached by ClinVar (database versions not stated): TOPMed 0.00003; ExAC 0.00001; gnomAD exomes 0.00002 and 0.00001.
gnomAD v4.1: 8 of 1,613,990 alleles (0.0005%); highest among the groups gnomAD compares: East Asian, 0.018%; no homozygotes.

Submissions (13):

Women's Health and Genetics/Laboratory Corporation of America, LabCorp
Classification: Uncertain significance. Last evaluated: 2025-12-15. Review status: criteria provided, single submitter. Criteria: LabCorp Variant Classification Summary - May 2015. Collection method: clinical testing. Allele origin: germline.
Comment: Variant summary: ATM c.8120C>G (p.Ser2707Cys) results in a non-conservative amino acid change in the encoded protein sequence. Algorithms developed to predict the effect of missense changes on protein structure and function all suggest that this variant is likely to be disruptive. The variant allele was found at a frequency of 6.9e-05 in 288953 control chromosomes. This frequency is not significantly higher than estimated for disease-causing variants in ATM, allowing no conclusion about variant significance. c.8120C>G has been observed in breast cancer cases and controls (Okawa_2023, Momozawa_2018). These reports do not provide unequivocal conclusions about association of the variant with Breast Cancer. At least one publication reports experimental evidence evaluating an impact on protein function, however, does not allow convincing conclusions about the variant effect. ClinVar contains an entry for this variant (Variation ID: 220257). Based on the evidence outlined above, the variant was classified as uncertain significance.

Labcorp Genetics (formerly Invitae), Labcorp
Classification: Uncertain significance for Ataxia-telangiectasia syndrome. Last evaluated: 2025-10-13. Review status: criteria provided, single submitter. Criteria: Invitae Variant Classification Sherloc (09022015). Collection method: clinical testing. Allele origin: germline.
Comment: This sequence change replaces serine, which is neutral and polar, with cysteine, which is neutral and slightly polar, at codon 2707 of the ATM protein (p.Ser2707Cys). This variant is present in population databases (rs748016261, gnomAD 0.02%). This missense change has been observed in individual(s) with breast cancer (PMID: 29905759, 30287823, 31742824). ClinVar contains an entry for this variant (Variation ID: 220257). Invitae Evidence Modeling of protein sequence and biophysical properties (such as structural, functional, and spatial information, amino acid conservation, physicochemical variation, residue mobility, and thermodynamic stability) indicates that this missense variant is expected to disrupt ATM protein function with a positive predictive value of 95%. In summary, the available evidence is currently insufficient to determine the role of this variant in disease. Therefore, it has been classified as a Variant of Uncertain Significance.

Color Diagnostics, LLC DBA Color Health
Classification: Uncertain significance for Hereditary cancer-predisposing syndrome. Last evaluated: 2024-07-09. Review status: criteria provided, single submitter. Criteria: ACMG Guidelines, 2015. Collection method: clinical testing. Allele origin: germline.
Comment: This missense variant replaces serine with cysteine at codon 2707 of the ATM protein. Computational prediction suggests that this variant may have deleterious impact on protein structure and function (internally defined REVEL score threshold >= 0.7, PMID: 27666373). To our knowledge, functional studies have not been reported for this variant. This variant has been reported in both affected cases and unaffected controls in large breast cancer case-control studies (PMID: 30287823, 33471991). The variant has also been reported in an individual affected with prostate cancer (PMID: 35666082), as well as in cohort of individuals affected with hereditary breast and ovarian cancer (PMID: 30982232) and a cohort of high risk hereditary breast and ovarian cancer individuals (PMID: 31742824). This variant has been identified in 5/251370 chromosomes in the general population by the Genome Aggregation Database (gnomAD). The available evidence is insufficient to determine the role of this variant in disease conclusively. Therefore, this variant is classified as a Variant of Uncertain Significance.

Ambry Genetics
Classification: Uncertain significance for Hereditary cancer-predisposing syndrome. Last evaluated: 2024-04-25. Review status: criteria provided, single submitter. Criteria: Ambry Variant Classification Scheme 2023. Collection method: clinical testing. Allele origin: germline.
Comment: The p.S2707C variant (also known as c.8120C>G), located in coding exon 54 of the ATM gene, results from a C to G substitution at nucleotide position 8120. The serine at codon 2707 is replaced by cysteine, an amino acid with dissimilar properties. This variant has been identified in multiple individuals with a personal and/or family history of breast and/or ovarian cancer (Momozowa Y et al. Nat Commun 2018 10;9(1):4083; Wang J et al. Cancer Med, 2019 05;8:2074-2084; Shao D et al. Cancer Sci, 2020 Feb;111:647-657; Liu Y et al. Front Genet, 2023 Nov;14:1271710). This amino acid position is highly conserved in available vertebrate species. In addition, this alteration is predicted to be deleterious by in silico analysis. Based on the available evidence, the clinical significance of this variant remains unclear.

Baylor Genetics
Classification: Uncertain significance for Familial cancer of breast. Last evaluated: 2024-03-22. Review status: criteria provided, single submitter. Criteria: ACMG Guidelines, 2015. Collection method: clinical testing. Allele origin: unknown.

Sema4
Classification: Uncertain significance for Hereditary cancer-predisposing syndrome. Last evaluated: 2021-08-10. Review status: criteria provided, single submitter. Criteria: Sema4 Curation Guidelines. Collection method: curation. Allele origin: germline.
Comment: The ATM c.8120C>G (p.S2707C) variant has been reported in heterozygosity in at least seven individuals with breast cancer (PMID: 30287823, 33471991, 33163394) but was also observed in seven healthy individuals (PMID 33471991). One of the affected individual also carried a pathogenic variant in BRCA1 gene (PMID: 33163394). It was observed in 5/18374 chromosomes of the East Asian subpopulation in the large and broad cohorts of the Genome Aggregation Database (PMID: 32461654). This variant has been reported in ClinVar (Variation ID 220257). In silico tools suggest the impact of the variant on protein function is deleterious, though these predictions have not been confirmed by functional studies. The evidence is insufficient to meet ACMG/AMP criteria for classifying the variant as benign or pathogenic. Thus, the clinical significance of this variant is currently uncertain.

Genome-Nilou Lab
Classification: Uncertain significance for Ataxia-telangiectasia syndrome. Last evaluated: 2021-07-14. Review status: criteria provided, single submitter. Criteria: ACMG Guidelines, 2015. Collection method: clinical testing. Allele origin: germline. Affected: no.

Quest Diagnostics Nichols Institute San Juan Capistrano
Classification: Uncertain significance. Last evaluated: 2021-07-07. Review status: criteria provided, single submitter. Criteria: Quest Diagnostics criteria. Collection method: clinical testing. Allele origin: unknown.

GeneDx
Classification: Uncertain significance. Last evaluated: 2019-09-26. Review status: criteria provided, single submitter. Criteria: GeneDx Variant Classification Process June 2021. Collection method: clinical testing. Allele origin: germline. Affected: yes.
Comment: In silico analysis, which includes protein predictors and evolutionary conservation, supports a deleterious effect; Observed in women with breast cancer, but also observed in unaffected controls (Momozawa 2018); This variant is associated with the following publications: (PMID: 30287823)

Cancer Genomics Group, Japanese Foundation For Cancer Research
Classification: Uncertain significance for Hereditary breast and ovarian cancer syndrome. Last evaluated: 2019-05-01. Review status: criteria provided, single submitter. Criteria: ACMG Guidelines, 2015. Collection method: research. Allele origin: germline. Affected: yes.

PreventionGenetics, part of Exact Sciences
Classification: Uncertain significance for ATM-related condition. Last evaluated: 2024-03-21. Review status: no assertion criteria provided. Collection method: clinical testing. Allele origin: germline. Not counted in ClinVar's aggregate classification.
Comment: The ATM c.8120C>G variant is predicted to result in the amino acid substitution p.Ser2707Cys. This variant was reported in both female and male breast cancer patients (Supplementary Data 1 & 2 in Momozawa et al. 2018. PubMed ID: 30287823; Table S1 in Zhang et al. 2018. PubMed ID: 29905759; Table S2 in Wang et al. 2019. PubMed ID: 30982232) however, it was also reported in controls (Supplementary Data 1 in Momozawa et al. 2018. PubMed ID: 30287823; Supplemental Table 2 in Okawa et al. 2022. PubMed ID: 36243179). This variant is reported in 0.027% of alleles in individuals of East Asian descent in gnomAD and has been interpreted as uncertain in ClinVar. At this time, the clinical significance of this variant is uncertain due to the absence of conclusive functional and genetic evidence.

Natera, Inc.
Classification: Uncertain significance for Ataxia-telangiectasia. Last evaluated: 2020-01-23. Review status: no assertion criteria provided. Collection method: clinical testing. Allele origin: germline. Not counted in ClinVar's aggregate classification.

Counsyl
Classification: Uncertain significance for Ataxia-telangiectasia syndrome. Last evaluated: 2018-01-08. Review status: no assertion criteria provided. Collection method: clinical testing. Allele origin: unknown. Not counted in ClinVar's aggregate classification.

Literature cited by the submitters: PubMed 30287823 (cited by 6 submitters); PubMed 36243179 (cited by Women's Health and Genetics/Laboratory Corporation of America, LabCorp); PubMed 40105422 (cited by Women's Health and Genetics/Laboratory Corporation of America, LabCorp); PubMed 29905759 (cited by Labcorp Genetics (formerly Invitae), Labcorp and Quest Diagnostics Nichols Institute San Juan Capistrano); PubMed 31742824 (cited by 3 submitters); PubMed 30982232 (cited by Color Diagnostics, LLC DBA Color Health and Ambry Genetics); PubMed 33471991 (cited by Color Diagnostics, LLC DBA Color Health and Sema4); PubMed 35666082 (cited by Color Diagnostics, LLC DBA Color Health); PubMed 38028594 (cited by Ambry Genetics); PubMed 33163394 (cited by Sema4 and Quest Diagnostics Nichols Institute San Juan Capistrano).

NM_000051.4(ATM):c.8120C>G (p.Ser2707Cys)

Genes: ATM (ATM serine/threonine kinase; plus strand), C11orf65 (chromosome 11 open reading frame 65; minus strand). Cytogenetic location: 11q22.3.
Variant type: single nucleotide variant.
Coding change: c.8120C>G on transcript NM_000051.4 (MANE Select); coding-DNA position 8120, C replaced by G.
Protein change: p.Ser2707Cys; replaces serine 2707 with cysteine.
Molecular consequence: missense variant. On other transcripts: intron variant (2).
Genome position (GRCh38, 1-based): chr11:108,335,078, C>G. VCF-style: chr11-108335078-C-G. GRCh37 (hg19) VCF-style: chr11-108205805-C-G.
Other names: c.8120C>G, p.Ser2707Cys (NM_001351834.2); c.641-26007G>C (NM_001330368.2); c.*38+142G>C (NM_001351110.2); short protein forms S2707C.
Identifiers: ClinVar variation 220257 (VCV000220257.39), dbSNP rs748016261, ClinGen allele CA348749.